The following is an entry in ClinVar:

ClinVar aggregate classification (germline): Uncertain significance. Review status: criteria provided, multiple submitters, no conflicts (2 of 4 stars). 6 submissions from 5 submitters: Uncertain significance (5). 1 of the submissions does not count toward it. Last evaluated 2026-10-01.

Conditions:
Neu-Laxova syndrome 1 (NLS1). Identifiers: Orphanet 2671, Orphanet 583607, MedGen C4551478, MONDO:0009736, OMIM 256520. Disease mechanism: loss of function.
PHGDH deficiency. Identifiers: Orphanet 79351, MedGen C1866174, MONDO:0011152, OMIM 601815.
Inborn genetic diseases. Identifiers: MedGen C0950123, MeSH D030342.

Allele frequency attached by ClinVar (database versions not stated): gnomAD exomes 0.00004 and 0.00005; ExAC 0.00006; TOPMed 0.00008; ESP Exome Variant Server 0.00008; gnomAD 0.00009 and 0.00011.
gnomAD v4.1: 84 of 1,613,956 alleles (0.0052%); highest among the groups gnomAD compares: African/African-American, 0.02%; no homozygotes.

Submissions (6):

GeneDx
Classification: Uncertain significance. Last evaluated: 2026-10-01. Review status: criteria provided, single submitter. Criteria: GeneDx Variant Classification Process June 2021. Collection method: clinical testing. Allele origin: germline.
Comment: In silico analysis suggests that this missense variant does not alter protein structure/function; Has not been previously published as pathogenic or benign to our knowledge

Ambry Genetics
Classification: Uncertain significance for Inborn genetic diseases. Last evaluated: 2024-03-21. Review status: criteria provided, single submitter. Criteria: Ambry Variant Classification Scheme 2023. Collection method: clinical testing. Allele origin: germline.

Labcorp Genetics (formerly Invitae), Labcorp
Classification: Uncertain significance for PHGDH deficiency. Last evaluated: 2023-12-11. Review status: criteria provided, single submitter. Criteria: Invitae Variant Classification Sherloc (09022015). Collection method: clinical testing. Allele origin: germline.
Comment: This sequence change replaces asparagine, which is neutral and polar, with serine, which is neutral and polar, at codon 449 of the PHGDH protein (p.Asn449Ser). This variant is present in population databases (rs141662984, gnomAD 0.01%). This variant has not been reported in the literature in individuals affected with PHGDH-related conditions. ClinVar contains an entry for this variant (Variation ID: 1059873). Algorithms developed to predict the effect of missense changes on protein structure and function output the following: SIFT: "Not Available"; PolyPhen-2: "Benign"; Align-GVGD: "Not Available". The serine amino acid residue is found in multiple mammalian species, which suggests that this missense change does not adversely affect protein function. In summary, the available evidence is currently insufficient to determine the role of this variant in disease. Therefore, it has been classified as a Variant of Uncertain Significance.

Genome-Nilou Lab
Classification: Uncertain significance for Neu-Laxova syndrome 1. Last evaluated: 2023-04-11. Review status: criteria provided, single submitter. Criteria: ACMG Guidelines, 2015. Collection method: clinical testing. Allele origin: germline. Affected: no.

Genome-Nilou Lab
Classification: Uncertain significance for PHGDH deficiency. Last evaluated: 2023-04-11. Review status: criteria provided, single submitter. Criteria: ACMG Guidelines, 2015. Collection method: clinical testing. Allele origin: germline. Affected: no.

Natera, Inc.
Classification: Uncertain significance for Phosphoglycerate dehydrogenase deficiency. Last evaluated: 2020-06-22. Review status: no assertion criteria provided. Collection method: clinical testing. Allele origin: germline. Not counted in ClinVar's aggregate classification.

NM_006623.4(PHGDH):c.1346A>G (p.Asn449Ser)

Gene: PHGDH (phosphoglycerate dehydrogenase; plus strand). Cytogenetic location: 1p12.
Variant type: single nucleotide variant.
Coding change: c.1346A>G on transcript NM_006623.4 (MANE Select); coding-DNA position 1346, A replaced by G.
Protein change: p.Asn449Ser; replaces asparagine 449 with serine.
Molecular consequence: missense variant.
Genome position (GRCh38, 1-based): chr1:119,742,943, A>G. VCF-style: chr1-119742943-A-G. GRCh37 (hg19) VCF-style: chr1-120285566-A-G.
Other names: c.1346A>G (NM_006623.3); short protein forms N449S.
Identifiers: ClinVar variation 1059873 (VCV001059873.13), dbSNP rs141662984, ClinGen allele CA1037438.